The following is an entry in ClinVar:

ClinVar aggregate classification (germline): Uncertain significance (1 of 4 stars; one submission).

Allele frequency attached by ClinVar (database versions not stated): gnomAD exomes below 0.00001; gnomAD 0.00001.
gnomAD v4.1: 3 of 1,560,532 alleles (0.00019%); highest among the groups gnomAD compares: African/African-American, 0.0041%; no homozygotes.

Submission:

Labcorp Genetics (formerly Invitae), Labcorp
Classification: Uncertain significance. Last evaluated: 2023-07-17. Review status: criteria provided, single submitter. Criteria: Invitae Variant Classification Sherloc (09022015). Collection method: clinical testing. Allele origin: germline.
Comment: In summary, the available evidence is currently insufficient to determine the role of this variant in disease. Therefore, it has been classified as a Variant of Uncertain Significance. Advanced modeling of protein sequence and biophysical properties (such as structural, functional, and spatial information, amino acid conservation, physicochemical variation, residue mobility, and thermodynamic stability) performed at Invitae indicates that this missense variant is not expected to disrupt GNMT protein function. ClinVar contains an entry for this variant (Variation ID: 1910281). This variant has not been reported in the literature in individuals affected with GNMT-related conditions. This variant is present in population databases (no rsID available, gnomAD 0.01%). This sequence change replaces valine, which is neutral and non-polar, with alanine, which is neutral and non-polar, at codon 64 of the GNMT protein (p.Val64Ala).

NM_018960.6(GNMT):c.191T>C (p.Val64Ala)

Genes: CNPY3-GNMT (CNPY3-GNMT readthrough; plus strand), GNMT (glycine N-methyltransferase; plus strand). Cytogenetic location: 6p21.1.
Variant type: single nucleotide variant.
Coding change: c.191T>C on transcript NM_018960.6 (MANE Select); coding-DNA position 191, T replaced by C.
Protein change: p.Val64Ala; replaces valine 64 with alanine.
Molecular consequence: missense variant. On other transcripts: non-coding transcript variant (1), intron variant (3).
Genome position (GRCh38, 1-based): chr6:42,960,958, T>C. VCF-style: chr6-42960958-T-C. GRCh37 (hg19) VCF-style: chr6-42928696-T-C.
Other names: c.191T>C, p.Val64Ala (NM_001318865.2); c.9-1254T>C (NM_001318856.2); c.152-1804T>C (NM_001318857.2, NM_001318858.2); short protein forms V64A.
Identifiers: ClinVar variation 1910281 (VCV001910281.5), dbSNP rs1287265412, ClinGen allele CA364143587.
Genomic context (GRCh38, chr6:42,960,958, plus strand): 5'-AGTACAAGGCATGGCTGCTTGGGCTGCTGCGCCAGCACGGCTGCCAGCGGGTGCTCGACG[T>C]AGCCTGTGGCACTGGGTGAGCCCAGGCCGGGGCCGGGGGCGTTGCATGAGATCGGGGTCT-3'
Protein context (NP_061833.1, residues 54-74): RQHGCQRVLD[Val64Ala]ACGTGVDSIM